The following is an entry in ClinVar:

ClinVar aggregate classification (germline): Pathogenic (1 of 4 stars; one submission).

Conditions:
Cerebral cavernous malformation (CCM). Also called: CAVERNOUS ANGIOMA, FAMILIAL; CAVERNOUS ANGIOMATOUS MALFORMATIONS; CEREBRAL CAPILLARY MALFORMATIONS; Cavernous Hemangioma of Brain; Cerebral cavernous hemangioma (type); Cerebral cavernous malformations. Identifiers: Orphanet 221061, MedGen C2919945, MONDO:0000820, OMIM 116860, HP:0033522.

Submission:

Labcorp Genetics (formerly Invitae), Labcorp
Classification: Pathogenic for Cerebral cavernous malformation. Last evaluated: 2022-10-28. Review status: criteria provided, single submitter. Criteria: Invitae Variant Classification Sherloc (09022015). Collection method: clinical testing. Allele origin: germline.
Comment: For these reasons, this variant has been classified as Pathogenic. Algorithms developed to predict the effect of sequence changes on RNA splicing suggest that this variant may disrupt the consensus splice site. ClinVar contains an entry for this variant (Variation ID: 855769). Disruption of this splice site has been observed in individual(s) with cerebral cavernous malformations (PMID: 28645800). This variant is not present in population databases (gnomAD no frequency). This sequence change affects a donor splice site in intron 9 of the KRIT1 gene. It is expected to disrupt RNA splicing. Variants that disrupt the donor or acceptor splice site typically lead to a loss of protein function (PMID: 16199547), and loss-of-function variants in KRIT1 are known to be pathogenic (PMID: 10508515, 11222804, 12404106, 24689081).

Literature cited by the submitters: PubMed 28645800; PubMed 16199547; PubMed 10508515; PubMed 11222804; PubMed 12404106; PubMed 24689081.

NM_194454.3(KRIT1):c.729+1G>T

Gene: KRIT1 (KRIT1 ankyrin repeat containing; minus strand). Cytogenetic location: 7q21.2.
Variant type: single nucleotide variant.
Coding change: c.729+1G>T on transcript NM_194454.3 (MANE Select); the canonical splice donor site of the intron after coding-DNA position 729, G replaced by T.
Molecular consequence: splice donor variant. On other transcripts: intron variant (1).
Genome position (GRCh38, 1-based): chr7:92,235,402, C>A on the plus strand (G>T on the coding strand, the complement: KRIT1 is on the minus strand). VCF-style: chr7-92235402-C-A. GRCh37 (hg19) VCF-style: chr7-91864716-C-A.
Other names: c.729+1G>T (NM_001350672.1, NM_001350676.1, NM_001350673.1 and 29 more transcripts); c.15+132G>T (NM_001350671.1).
Identifiers: ClinVar variation 855769 (VCV000855769.8), dbSNP rs1563305064, ClinGen allele CA368159251.
Genomic context (GRCh38, chr7:92,235,402, plus strand): 5'-AAAAATTACACTTGAGATAAAACGTCTTTTAAATCAGAGCTAAAATTCATTCAACTCTTA[C>A]CCGATTTGTATACTGAAGATCTGATCCAAACAAAGGGTTGTAAATACAGGTATCTGCTTT-3'